The following is an entry in ClinVar:

NM_005060.4(RORC):c.41-17C>T

Gene: RORC (RAR related orphan receptor C; minus strand). Cytogenetic location: 1q21.3.
Variant type: single nucleotide variant.
Coding change: c.41-17C>T on transcript NM_005060.4 (MANE Select); 17 bases into the intron before coding-DNA position 41, C replaced by T.
Molecular consequence: intron variant.
Genome position (GRCh38, 1-based): chr1:151,829,475, G>A on the plus strand (C>T on the coding strand, the complement: RORC is on the minus strand). VCF-style: chr1-151829475-G-A. GRCh37 (hg19) VCF-style: chr1-151801951-G-A.
Identifiers: ClinVar variation 1165101 (VCV001165101.12), dbSNP rs4845606, ClinGen allele CA1096041.
Genomic context (GRCh38, chr1:151,829,475, plus strand): 5'-GACCCCCTACTCACAGGTGTGGGTCTTCTTTGCAGCCAGCAGCTCTGTAAAGACAAGAGA[G>A]GGGGTTGACGTCAAAGGTTGAAGATCATGAGGGGCTGAGACACTTTCCCCACTCCTAGGA-3'

ClinVar aggregate classification (germline): Benign/Likely benign. Review status: criteria provided, multiple submitters, no conflicts (2 of 4 stars). 4 submissions from 4 submitters: Benign (3); Likely benign (1). Last evaluated 2026-02-04.

Conditions:
Autosomal recessive mendelian susceptibility to mycobacterial diseases due to complete RORgamma receptor deficiency. Also called: Immunodeficiency 42. Identifiers: Orphanet 477857, MedGen C5567647, MONDO:0014710, OMIM 616622.

Allele frequency attached by ClinVar (database versions not stated): ESP Exome Variant Server 0.12264; gnomAD 0.14013 and 0.14061; TOPMed 0.14341; ExAC 0.14432; gnomAD exomes 0.14530; 1000 Genomes Project 0.14796; 1000 Genomes Project 30x 0.14834.
gnomAD v4.1: 203,083 of 1,518,578 alleles (13%); highest among the groups gnomAD compares: Admixed American, 25%; 14,620 homozygotes.

Submissions (4):

Labcorp Genetics (formerly Invitae), Labcorp
Classification: Benign for Autosomal recessive mendelian susceptibility to mycobacterial diseases due to complete RORgamma receptor deficiency. Last evaluated: 2026-02-04. Review status: criteria provided, single submitter. Criteria: Invitae Variant Classification Sherloc (09022015). Collection method: clinical testing. Allele origin: germline.

Blueprint Genetics
Classification: Likely benign. Last evaluated: 2024-11-26. Review status: criteria provided, single submitter. Criteria: ACMG Guidelines, 2015. Collection method: clinical testing. Allele origin: germline.

Unidad de Genómica Garrahan, Hospital de Pediatría Garrahan
Classification: Benign. Last evaluated: 2023-11-12. Review status: criteria provided, single submitter. Criteria: ACMG Guidelines, 2015. Collection method: clinical testing. Allele origin: germline. Affected: no. Observed: 42 variant alleles.
Comment: This variant is classified as Benign based on local population frequency. This variant was detected in 44% of patients studied by a panel of primary immunodeficiencies. Number of patients: 42. Only high quality variants are reported.

Breakthrough Genomics
Classification: Benign. Review status: criteria provided, single submitter. Criteria: ACMG Guidelines, 2015. Collection method: not provided. Allele origin: germline. Inheritance: Autosomal recessive inheritance. Affected: yes.